The following is an entry in ClinVar:

ClinVar aggregate classification (germline): Uncertain significance. Review status: criteria provided, multiple submitters, no conflicts (2 of 4 stars). 2 submissions from 2 submitters: Uncertain significance (2). Last evaluated 2026-02-04.

Conditions:
Glycogen storage disease type III (GSD3). Also called: Cori disease; FORBES DISEASE. Identifiers: Orphanet 366, MedGen C0017922, MONDO:0009291, OMIM 232400.

Allele frequency attached by ClinVar (database versions not stated): gnomAD exomes below 0.00001; TOPMed below 0.00001.
gnomAD v4.1: 5 of 1,613,500 alleles (0.00031%); highest among the groups gnomAD compares: Non-Finnish European, 0.00042%; no homozygotes.

Submissions (2):

Myriad Genetics, Inc.
Classification: Uncertain significance for Glycogen storage disease type III. Last evaluated: 2026-02-04. Review status: criteria provided, single submitter. Criteria: Myriad Autosomal Dominant, Autosomal Recessive and X-Linked Classification Criteria (2023). Collection method: clinical testing. Allele origin: unknown.
Comment: NM_000642.2(AGL):c.2999G>A(R1000H) is a missense variant classified as a variant of uncertain significance in the context of glycogen storage disease type III. R1000H has not been observed in cases with relevant disease. Relevant functional assessments of this variant are not available in the literature. R1000H has been observed in referenced population frequency databases. In summary, there is insufficient evidence to classify NM_000642.2(AGL):c.2999G>A(R1000H) as pathogenic or benign. Please note: this variant was assessed in the context of healthy population screening.

Labcorp Genetics (formerly Invitae), Labcorp
Classification: Uncertain significance for Glycogen storage disease type III. Last evaluated: 2021-12-24. Review status: criteria provided, single submitter. Criteria: Invitae Variant Classification Sherloc (09022015). Collection method: clinical testing. Allele origin: germline.
Comment: This sequence change replaces arginine, which is basic and polar, with histidine, which is basic and polar, at codon 1000 of the AGL protein (p.Arg1000His). This variant is present in population databases (no rsID available, gnomAD no frequency). This variant has not been reported in the literature in individuals affected with AGL-related conditions. Algorithms developed to predict the effect of missense changes on protein structure and function are either unavailable or do not agree on the potential impact of this missense change (SIFT: "Tolerated"; PolyPhen-2: "Probably Damaging"; Align-GVGD: "Class C0"). In summary, the available evidence is currently insufficient to determine the role of this variant in disease. Therefore, it has been classified as a Variant of Uncertain Significance.

NM_000642.3(AGL):c.2999G>A (p.Arg1000His)

Gene: AGL (amylo-alpha-1,6-glucosidase and 4-alpha-glucanotransferase; plus strand). Cytogenetic location: 1p21.2.
Variant type: single nucleotide variant.
Coding change: c.2999G>A on transcript NM_000642.3 (MANE Select); coding-DNA position 2999, G replaced by A.
Protein change: p.Arg1000His; replaces arginine 1000 with histidine.
Molecular consequence: missense variant.
Genome position (GRCh38, 1-based): chr1:99,891,655, G>A. VCF-style: chr1-99891655-G-A. GRCh37 (hg19) VCF-style: chr1-100357211-G-A.
Other names: c.2999G>A, p.Arg1000His (NM_000643.3, NM_000644.3, NM_001425325.1 and 1 more transcripts); c.2951G>A, p.Arg984His (NM_000646.3); c.2978G>A, p.Arg993His (NM_001425326.1); c.2798G>A, p.Arg933His (NM_001425327.1); c.2795G>A, p.Arg932His (NM_001425328.1); c.2660G>A, p.Arg887His (NM_001425329.1); c.2621G>A, p.Arg874His (NM_001425332.1); short protein forms R984H, R1000H, R874H, R887H, R932H, R933H, R993H.
Identifiers: ClinVar variation 2069650 (VCV002069650.2), dbSNP rs1277560524, ClinGen allele CA341325930.